The following is an entry in ClinVar:

ClinVar aggregate classification (germline): Uncertain significance. Review status: criteria provided, multiple submitters, no conflicts (2 of 4 stars). 2 submissions from 2 submitters: Uncertain significance (2). Last evaluated 2024-09-10.

Conditions:
Inborn genetic diseases. Identifiers: MedGen C0950123, MeSH D030342.

Allele frequency attached by ClinVar (database versions not stated): ExAC 0.00007; TOPMed 0.00008; gnomAD 0.00009; gnomAD exomes 0.00009.
gnomAD v4.1: 539 of 1,613,996 alleles (0.033%); highest among the groups gnomAD compares: Non-Finnish European, 0.045%; no homozygotes.

Submissions (2):

Ambry Genetics
Classification: Uncertain significance for Inborn genetic diseases. Last evaluated: 2024-09-10. Review status: criteria provided, single submitter. Criteria: Ambry Variant Classification Scheme 2023. Collection method: clinical testing. Allele origin: germline.

Labcorp Genetics (formerly Invitae), Labcorp
Classification: Uncertain significance. Last evaluated: 2021-09-24. Review status: criteria provided, single submitter. Criteria: Invitae Variant Classification Sherloc (09022015). Collection method: clinical testing. Allele origin: germline.
Comment: This sequence change replaces aspartic acid with glycine at codon 3105 of the DNAH9 protein (p.Asp3105Gly). The aspartic acid residue is moderately conserved and there is a moderate physicochemical difference between aspartic acid and glycine. This variant is present in population databases (rs764965250, ExAC 0.01%). This variant has not been reported in the literature in individuals with DNAH9-related conditions. Algorithms developed to predict the effect of missense changes on protein structure and function are either unavailable or do not agree on the potential impact of this missense change (SIFT: "Deleterious"; PolyPhen-2: "Probably Damaging"; Align-GVGD: "Class C0"). In summary, the available evidence is currently insufficient to determine the role of this variant in disease. Therefore, it has been classified as a Variant of Uncertain Significance.

NM_001372.4(DNAH9):c.9314A>G (p.Asp3105Gly)

Gene: DNAH9 (dynein axonemal heavy chain 9; plus strand). Cytogenetic location: 17p12.
Variant type: single nucleotide variant.
Coding change: c.9314A>G on transcript NM_001372.4 (MANE Select); coding-DNA position 9314, A replaced by G.
Protein change: p.Asp3105Gly; replaces aspartic acid 3105 with glycine.
Molecular consequence: missense variant.
Genome position (GRCh38, 1-based): chr17:11,834,705, A>G. VCF-style: chr17-11834705-A-G. GRCh37 (hg19) VCF-style: chr17-11738022-A-G.
Other names: c.9314A>G (NM_001372.3); short protein forms D3105G.
Identifiers: ClinVar variation 1434156 (VCV001434156.7), dbSNP rs764965250, ClinGen allele CA8397192.